The following is an entry in ClinVar:

ClinVar aggregate classification (germline): Uncertain significance (1 of 4 stars; one submission).

Conditions:
Hereditary cancer-predisposing syndrome. Also called: Neoplastic Syndromes, Hereditary; Tumor predisposition; Hereditary neoplastic syndrome; Hereditary Cancer Syndrome. Identifiers: Orphanet 140162, MedGen C0027672, MeSH D009386, MONDO:0015356.

Submission:

Ambry Genetics
Classification: Uncertain significance for Hereditary cancer-predisposing syndrome. Last evaluated: 2026-07-28. Review status: criteria provided, single submitter. Criteria: Ambry Variant Classification Scheme 2023. Collection method: clinical testing. Allele origin: germline.
Comment: The p.S2310I variant (also known as c.6929G>T), located in coding exon 46 of the ATM gene, results from a G to T substitution at nucleotide position 6929. The serine at codon 2310 is replaced by isoleucine, an amino acid with dissimilar properties. This amino acid position is not well conserved in available vertebrate species. In addition, this alteration is predicted to be tolerated by in silico analysis. Based on the available evidence, the clinical significance of this variant remains unclear.

NM_000051.4(ATM):c.6929G>T (p.Ser2310Ile)

Genes: ATM (ATM serine/threonine kinase; plus strand), C11orf65 (chromosome 11 open reading frame 65; minus strand). Cytogenetic location: 11q22.3.
Variant type: single nucleotide variant.
Coding change: c.6929G>T on transcript NM_000051.4 (MANE Select); coding-DNA position 6929, G replaced by T.
Protein change: p.Ser2310Ile; replaces serine 2310 with isoleucine.
Molecular consequence: missense variant. On other transcripts: intron variant (2).
Genome position (GRCh38, 1-based): chr11:108,326,179, G>T. VCF-style: chr11-108326179-G-T. GRCh37 (hg19) VCF-style: chr11-108196906-G-T.
Other names: c.6929G>T, p.Ser2310Ile (NM_001351834.2); c.641-17108C>A (NM_001330368.2); c.*38+9041C>A (NM_001351110.2); short protein forms S2310I.
Identifiers: ClinVar variation 5031705 (VCV005031705.1).